The following is an entry in ClinVar:

ClinVar aggregate classification (germline): Benign/Likely benign. Review status: criteria provided, multiple submitters, no conflicts (2 of 4 stars). 7 submissions from 7 submitters: Benign (1); Likely benign (5). 1 of the submissions does not count toward it. Last evaluated 2026-01-26.

Conditions:
COQ8A-related disorder. Also called: COQ8A-related condition.
Autosomal recessive ataxia due to ubiquinone deficiency. Also called: SPINOCEREBELLAR ATAXIA, AUTOSOMAL RECESSIVE 9; Coenzyme Q10 deficiency, primary, 4. Identifiers: Orphanet 139485, MedGen C2677589, MONDO:0012784, OMIM 612016.

Allele frequency attached by ClinVar (database versions not stated): 1000 Genomes Project 0.00140; gnomAD 0.00153; TOPMed 0.00181; 1000 Genomes Project 30x 0.00187; ESP Exome Variant Server 0.00269.
gnomAD v4.1: 658 of 1,613,938 alleles (0.041%); highest among the groups gnomAD compares: African/African-American, 0.52%; 5 homozygotes.

Submissions (7):

Labcorp Genetics (formerly Invitae), Labcorp
Classification: Likely benign. Last evaluated: 2026-01-26. Review status: criteria provided, single submitter. Criteria: Invitae Variant Classification Sherloc (09022015). Collection method: clinical testing. Allele origin: germline.

Blueprint Genetics
Classification: Likely benign. Last evaluated: 2024-08-28. Review status: criteria provided, single submitter. Criteria: ACMG Guidelines, 2015. Collection method: clinical testing. Allele origin: germline.

CeGaT Center for Human Genetics Tuebingen
Classification: Likely benign. Last evaluated: 2023-04-01. Review status: criteria provided, single submitter. Criteria: CeGaT Center For Human Genetics Tuebingen Variant Classification Criteria Version 2. Collection method: clinical testing. Allele origin: germline. Affected: yes. Observed: 1 variant allele.
Comment: COQ8A: BP4, BS2

Illumina Laboratory Services, Illumina
Classification: Likely benign for Autosomal recessive ataxia due to ubiquinone deficiency. Last evaluated: 2018-01-13. Review status: criteria provided, single submitter. Criteria: ICSL Variant Classification Criteria 13 December 2019. Collection method: clinical testing. Allele origin: germline.
Comment: This variant was observed in the ICSL laboratory as part of a predisposition screen in an ostensibly healthy population. It had not been previously curated by ICSL or reported in the Human Gene Mutation Database (HGMD: prior to June 1st, 2018), and was therefore a candidate for classification through an automated scoring system. Utilizing variant allele frequency, disease prevalence and penetrance estimates, and inheritance mode, an automated score was calculated to assess if this variant is too frequent to cause the disease. Based on the score and internal cut-off values, a variant classified as likely benign is not then subjected to further curation. The score for this variant resulted in a classification of likely benign for this disease.

Athena Diagnostics
Classification: Benign. Last evaluated: 2017-07-13. Review status: criteria provided, single submitter. Criteria: Athena Diagnostics Criteria. Collection method: clinical testing. Allele origin: germline.

Breakthrough Genomics
Classification: Likely benign. Review status: criteria provided, single submitter. Criteria: ACMG Guidelines, 2015. Collection method: not provided. Allele origin: germline. Inheritance: Autosomal recessive inheritance. Affected: yes.

PreventionGenetics, part of Exact Sciences
Classification: Likely benign for COQ8A-related condition. Last evaluated: 2020-02-26. Review status: no assertion criteria provided. Collection method: clinical testing. Allele origin: germline. Not counted in ClinVar's aggregate classification.
Comment: This variant is classified as likely benign based on ACMG/AMP sequence variant interpretation guidelines (Richards et al. 2015 PMID: 25741868, with internal and published modifications).

NM_020247.5(COQ8A):c.298G>T (p.Asp100Tyr)

Gene: COQ8A (coenzyme Q8A; plus strand). Cytogenetic location: 1q42.13.
Variant type: single nucleotide variant.
Coding change: c.298G>T on transcript NM_020247.5 (MANE Select); coding-DNA position 298, G replaced by T.
Protein change: p.Asp100Tyr; replaces aspartic acid 100 with tyrosine.
Molecular consequence: missense variant.
Genome position (GRCh38, 1-based): chr1:226,965,120, G>T. VCF-style: chr1-226965120-G-T. GRCh37 (hg19) VCF-style: chr1-227152821-G-T.
Other names: short protein forms D100Y.
Identifiers: ClinVar variation 214027 (VCV000214027.41), dbSNP rs150696959, ClinGen allele CA322520.